The following is an entry in ClinVar:

NM_001347885.2(GVQW3):c.465+129T>C

Gene: GVQW3 (GVQW motif containing 3; plus strand). Cytogenetic location: 11q13.5.
Variant type: single nucleotide variant.
Coding change: c.465+129T>C on transcript NM_001347885.2 (MANE Select); 129 bases into the intron after coding-DNA position 465, T replaced by C.
Molecular consequence: intron variant. On other transcripts: synonymous variant (1).
Genome position (GRCh38, 1-based): chr11:76,382,422, T>C. VCF-style: chr11-76382422-T-C. GRCh37 (hg19) VCF-style: chr11-76093466-T-C.
Other names: c.594T>C, p.Leu198= (NM_001305225.4); c.465+129T>C (NM_001347884.2); c.382+212T>C (NM_001282456.4).
Identifiers: ClinVar variation 2642166 (VCV002642166.24), dbSNP rs1408820183, ClinGen allele CA680325373.

ClinVar aggregate classification (germline): Likely benign (1 of 4 stars; one submission).

Allele frequency attached by ClinVar (database versions not stated): TOPMed below 0.00001; gnomAD 0.00001.

Submission:

CeGaT Center for Human Genetics Tuebingen
Classification: Likely benign. Last evaluated: 2022-06-01. Review status: criteria provided, single submitter. Criteria: CeGaT Center For Human Genetics Tuebingen Variant Classification Criteria Version 2. Collection method: clinical testing. Allele origin: germline. Affected: yes. Observed: 1 variant allele.
Comment: GVQW3: BP4, BP7